The following is an entry in ClinVar:

NM_012203.2(GRHPR):c.890_891dup (p.Thr298fs)

Gene: GRHPR (glyoxylate and hydroxypyruvate reductase; plus strand). Cytogenetic location: 9p13.2.
Variant type: Duplication.
Coding change: c.890_891dup on transcript NM_012203.2 (MANE Select); coding-DNA positions 890 to 891, 2 bases duplicated (CC; older notation c.890_891dupCC).
Protein change: p.Thr298fs; shifts the reading frame from threonine 298.
Molecular consequence: frameshift variant.
Genome position (GRCh38, 1-based): chr9:37,436,685-37,436,686, CC duplicated. VCF-style (leftmost placement, unchanged base first): chr9-37436684-G-GCC. GRCh37 (hg19) VCF-style: chr9-37436681-G-GCC.
Other names: short protein forms T298fs.
Identifiers: ClinVar variation 2664109 (VCV002664109.1), dbSNP rs2489258602, ClinGen allele CA2695201584.
Genomic context (GRCh38, chr9:37,436,684, plus strand): 5'-CTTCTTATCTCCCTCTCTCTCTCTCTCTCCTTTCCAGTGATTCTGCCCCACATTGGCAGT[G>GCC]CCACCCACAGAACCCGCAACACCATGTCCTTGTTGGCAGCTAACAACTTGCTGGCTGGCC-3'

ClinVar aggregate classification (germline): Pathogenic (1 of 4 stars; one submission).

Conditions:
Primary hyperoxaluria, type II (HP2). Also called: OXALOSIS II; Primary hyperoxaluria type 2; D-GLYCERATE DEHYDROGENASE DEFICIENCY; GLYCERIC ACIDURIA; GLYOXYLATE REDUCTASE/HYDROXYPYRUVATE REDUCTASE DEFICIENCY. Identifiers: Orphanet 416, Orphanet 93599, MedGen C0268165, MONDO:0009824, OMIM 260000. Disease mechanism: loss of function.

Submission:

Rare Kidney Stone Consortium and the Mayo Clinic Hyperoxaluria Center, Mayo Clinic
Classification: Pathogenic for Primary hyperoxaluria, type II. Last evaluated: 2023-10-27. Review status: criteria provided, single submitter. Criteria: ACMG Guidelines, 2015. Collection method: clinical testing. Allele origin: germline. Affected: yes.
Comment: ACMG: PVS1 PM2 PM3

Literature cited by the submitters: PubMed 25644115.